The following is an entry in ClinVar:

NM_001267550.2(TTN):c.92934C>T (p.Phe30978=)

Genes: TTN (titin; minus strand), TTN-AS1 (TTN antisense RNA 1; plus strand). Cytogenetic location: 2q31.2.
Variant type: single nucleotide variant.
Coding change: c.92934C>T on transcript NM_001267550.2 (MANE Select); coding-DNA position 92934, C replaced by T.
Protein change: p.Phe30978=; no amino-acid change (phenylalanine 30978 retained).
Molecular consequence: synonymous variant.
Genome position (GRCh38, 1-based): chr2:178,548,692, G>A on the plus strand (C>T on the coding strand, the complement: TTN is on the minus strand). VCF-style: chr2-178548692-G-A. GRCh37 (hg19) VCF-style: chr2-179413419-G-A.
Other names: c.65739C>T, p.Phe21913= (NM_003319.4); c.85230C>T, p.Phe28410= (NM_133378.4); c.66114C>T, p.Phe22038= (NM_133432.3); c.66315C>T, p.Phe22105= (NM_133437.4); c.88011C>T, p.Phe29337= (NM_001256850.1).
Identifiers: ClinVar variation 387508 (VCV000387508.6), dbSNP rs769177976, ClinGen allele CA1987381.
Genomic context (GRCh38, chr2:178,548,692, plus strand): 5'-CACAGTAAGGGTATATTTCCCTGCATCATTTCTGTTGCAGTTTTCCACAGTGAGGGTGCT[G>A]AAGGAATCTGTTGTATGGATATCAGCCCGAAGGCTAAGGTTAGAGTCTGGTTTGCTCCAC-3'
Protein context (NP_001254479.2, residues 30968-30988): LRADIHTTDS[Phe30978=]STLTVENCNR

ClinVar aggregate classification (germline): Likely benign. Review status: criteria provided, multiple submitters, no conflicts (2 of 4 stars). 3 submissions from 3 submitters: Likely benign (3). Last evaluated 2024-02-17.

Conditions:
Dilated cardiomyopathy 1G (CMD1G). Identifiers: Orphanet 154, MedGen C1858763, MONDO:0011400, OMIM 604145.
Autosomal recessive limb-girdle muscular dystrophy type 2J (LGMDR10). Also called: MUSCULAR DYSTROPHY, LIMB-GIRDLE, AUTOSOMAL RECESSIVE 10; Limb-girdle muscular dystrophy, type 2J. Identifiers: Orphanet 140922, MedGen C1837342, MONDO:0012127, OMIM 608807.
Cardiovascular phenotype. Identifiers: MedGen CN230736.

Allele frequency attached by ClinVar (database versions not stated): gnomAD 0.00001; gnomAD exomes 0.00001 and 0.00004; ExAC 0.00003; TOPMed 0.00003.
gnomAD v4.1: 12 of 1,613,784 alleles (0.00074%); highest among the groups gnomAD compares: East Asian, 0.02%; no homozygotes.

Submissions (3):

Labcorp Genetics (formerly Invitae), Labcorp
Classification: Likely benign for Dilated cardiomyopathy 1G; Autosomal recessive limb-girdle muscular dystrophy type 2J. Last evaluated: 2024-02-17. Review status: criteria provided, single submitter. Criteria: Invitae Variant Classification Sherloc (09022015). Collection method: clinical testing. Allele origin: germline.

Ambry Genetics
Classification: Likely benign for Cardiovascular phenotype. Last evaluated: 2022-12-25. Review status: criteria provided, single submitter. Criteria: Ambry Variant Classification Scheme 2023. Collection method: clinical testing. Allele origin: germline.

GeneDx
Classification: Likely benign. Last evaluated: 2016-07-22. Review status: criteria provided, single submitter. Criteria: GeneDx Variant Classification (06012015). Collection method: clinical testing. Allele origin: germline. Affected: yes.
Comment: This variant is considered likely benign or benign based on one or more of the following criteria: it is a conservative change, it occurs at a poorly conserved position in the protein, it is predicted to be benign by multiple in silico algorithms, and/or has population frequency not consistent with disease.